The following is an entry in ClinVar:

NM_020751.3(COG6):c.1009+1G>T

Gene: COG6 (component of oligomeric golgi complex 6; plus strand). Cytogenetic location: 13q14.11.
Variant type: single nucleotide variant.
Coding change: c.1009+1G>T on transcript NM_020751.3 (MANE Select); the canonical splice donor site of the intron after coding-DNA position 1009, G replaced by T.
Molecular consequence: splice donor variant.
Genome position (GRCh38, 1-based): chr13:39,687,800, G>T. VCF-style: chr13-39687800-G-T. GRCh37 (hg19) VCF-style: chr13-40261937-G-T.
Other names: c.1009+1G>T (NM_001145079.2).
Identifiers: ClinVar variation 4845389 (VCV004845389.1).

ClinVar aggregate classification (germline): Pathogenic (1 of 4 stars; one submission).

Conditions:
COG6-congenital disorder of glycosylation. Also called: CONGENITAL DISORDER OF GLYCOSYLATION, TYPE IIl; CDG IIl; COG6-CGD; COG6-ongenital disorder of glycosylation. Identifiers: Orphanet 464443, MedGen C3553230, MONDO:0013810, OMIM 614576.

gnomAD v4.1: 1 of 1,606,518 alleles (0.000062%); highest among the groups gnomAD compares: Non-Finnish European, 0.000085%; no homozygotes.

Submission:

Institute of Human Genetics, University of Leipzig Medical Center
Classification: Pathogenic for COG6-congenital disorder of glycosylation. Last evaluated: 2026-04-08. Review status: criteria provided, single submitter. Criteria: ACMG Guidelines, 2015. Collection method: clinical testing. Allele origin: unknown. Inheritance: Autosomal recessive inheritance. Affected: yes.
Comment: Criteria applied: PVS1,PM2